The following is an entry in ClinVar:

ClinVar aggregate classification (germline): Likely pathogenic (1 of 4 stars; one submission).

Conditions:
Developmental and epileptic encephalopathy, 15 (DEE15). Also called: Early infantile epileptic encephalopathy 15. Identifiers: Orphanet 3451, MedGen C3554316, MONDO:0014003, OMIM 615006.

gnomAD v4.1: 1 of 1,614,100 alleles (0.000062%); highest among the groups gnomAD compares: Non-Finnish European, 0.000085%; no homozygotes.

Submission:

Neuberg Centre For Genomic Medicine, NCGM
Classification: Likely pathogenic for Developmental and epileptic encephalopathy, 15. Last evaluated: 2024-02-01. Review status: criteria provided, single submitter. Criteria: ACMG Guidelines, 2015. Collection method: clinical testing. Allele origin: germline. Inheritance: Autosomal dominant inheritance.
Comment: The stop gained variant c.83G>A (p.Trp28Ter) in the ST3GAL3 gene has not been reported previously as a pathogenic variant nor as a benign variant, to our knowledge. Loss of function variants has been previously reported to be disease causing (Indellicato et al., 2020). For these reasons, this variant has been classified as Likely Pathogenic

NM_006279.5(ST3GAL3):c.83G>A (p.Trp28Ter)

Gene: ST3GAL3 (ST3 beta-galactoside alpha-2,3-sialyltransferase 3; plus strand). Cytogenetic location: 1p34.1.
Variant type: single nucleotide variant.
Coding change: c.83G>A on transcript NM_006279.5 (MANE Select); coding-DNA position 83, G replaced by A.
Protein change: p.Trp28Ter; replaces tryptophan 28 with a stop codon.
Molecular consequence: nonsense. On other transcripts: 5 prime UTR variant (1), non-coding transcript variant (8).
Genome position (GRCh38, 1-based): chr1:43,736,345, G>A. VCF-style: chr1-43736345-G-A. GRCh37 (hg19) VCF-style: chr1-44202016-G-A.
Other names: c.83G>A, p.Trp28Ter (NM_001270459.2, NM_001270460.2, NM_001270461.3 and 18 more transcripts); c.-371G>A (NM_001350621.2); short protein forms W28*.
Identifiers: ClinVar variation 3898041 (VCV003898041.1).